The following is an entry in ClinVar:

NM_004656.4(BAP1):c.205dup (p.Thr69fs)

Gene: BAP1 (BRCA1 associated deubiquitinase 1; minus strand). Cytogenetic location: 3p21.1.
Variant type: Duplication.
Coding change: c.205dup on transcript NM_004656.4 (MANE Select); coding-DNA position 205, one base duplicated (A; older notation c.205dupA).
Protein change: p.Thr69fs; shifts the reading frame from threonine 69.
Molecular consequence: frameshift variant.
Genome position (GRCh38, 1-based): chr3:52,408,524, T duplicated on the plus strand (A on the coding strand, the reverse complement: BAP1 is on the minus strand). VCF-style (leftmost placement, unchanged base first): chr3-52408523-G-GT. GRCh37 (hg19) VCF-style: chr3-52442539-G-GT.
Other names: c.205dup, p.Thr69fs (NM_001410772.1); c.205dupA (NM_004656.2, NM_004656.4); short protein forms T69fs.
Identifiers: ClinVar variation 3258055 (VCV003258055.3).

ClinVar aggregate classification (germline): Pathogenic (1 of 4 stars; one submission).
ClinVar aggregate classification (oncogenicity): Likely oncogenic (1 of 4 stars; one submission).

Conditions:
Hereditary cancer-predisposing syndrome. Also called: Hereditary Cancer Syndrome; Tumor predisposition; Hereditary neoplastic syndrome; Neoplastic Syndromes, Hereditary. Identifiers: Orphanet 140162, MedGen C0027672, MeSH D009386, MONDO:0015356.
Neoplasm. Also called: tumor; Neoplasms; Neoplasm (disease). Identifiers: MedGen C0027651, MeSH D009369, MONDO:0005070, HP:0002664.

Submissions (2):

Ambry Genetics
Classification: Pathogenic for Hereditary cancer-predisposing syndrome. Last evaluated: 2025-07-29. Review status: criteria provided, single submitter. Criteria: Ambry Variant Classification Scheme 2023. Collection method: clinical testing. Allele origin: germline.
Comment: The c.205dupA pathogenic mutation, located in coding exon 4 of the BAP1 gene, results from a duplication of A at nucleotide position 205, causing a translational frameshift with a predicted alternate stop codon (p.T69Nfs*5). This variant is considered to be rare based on population cohorts in the Genome Aggregation Database (gnomAD). This alteration is expected to result in loss of function by premature protein truncation or nonsense-mediated mRNA decay. As such, this alteration is interpreted as a disease-causing mutation.

Center for Genomic Medicine, Rigshospitalet, Copenhagen University Hospital
Classification: Likely oncogenic for Neoplasm. Last evaluated: 2025-03-04. Review status: criteria provided, single submitter. Criteria: ClinGen/CGC/VICC Guidelines for Oncogenicity, 2022. Collection method: clinical testing. Allele origin: somatic. Affected: yes.

Literature cited by the submitters: PubMed 33240524 (cited by Center for Genomic Medicine, Rigshospitalet, Copenhagen University Hospital).